The following is an entry in ClinVar:

NM_006086.4(TUBB3):c.845G>A (p.Arg282Gln)

Gene: TUBB3 (tubulin beta 3 class III; plus strand). Cytogenetic location: 16q24.3.
Variant type: single nucleotide variant.
Coding change: c.845G>A on transcript NM_006086.4 (MANE Select); coding-DNA position 845, G replaced by A.
Protein change: p.Arg282Gln; replaces arginine 282 with glutamine.
Molecular consequence: missense variant.
Genome position (GRCh38, 1-based): chr16:89,935,296, G>A. VCF-style: chr16-89935296-G-A. GRCh37 (hg19) VCF-style: chr16-90001704-G-A.
Other names: c.629G>A, p.Arg210Gln (NM_001197181.2); short protein forms R210Q, R282Q.
Identifiers: ClinVar variation 1342080 (VCV001342080.16), dbSNP rs1064795231, ClinGen allele CA397475540.
Genomic context (GRCh38, chr16:89,935,296, plus strand): 5'-GCCTGCACTTCTTCATGCCCGGCTTCGCCCCCCTCACAGCCCGGGGCAGCCAGCAGTACC[G>A]GGCCCTGACCGTGCCCGAGCTCACCCAGCAGATGTTCGATGCCAAGAACATGATGGCCGC-3'
Protein context (NP_006077.2, residues 272-292): PLTARGSQQY[Arg282Gln]ALTVPELTQQ

ClinVar aggregate classification (germline): Conflicting classifications of pathogenicity. Review status: criteria provided, conflicting classifications (1 of 4 stars). 2 submissions from 2 submitters: Likely pathogenic (1); Uncertain significance (1). Last evaluated 2025-02-01.

Allele frequency attached by ClinVar (database versions not stated): gnomAD exomes below 0.00001; TOPMed below 0.00001.
gnomAD v4.1: 2 of 1,613,682 alleles (0.00012%); highest among the groups gnomAD compares: Non-Finnish European, 0.00017%; no homozygotes.

Submissions (2):

CeGaT Center for Human Genetics Tuebingen
Classification: Uncertain significance. Last evaluated: 2025-02-01. Review status: criteria provided, single submitter. Criteria: CeGaT Center For Human Genetics Tuebingen Variant Classification Criteria Version 2. Collection method: clinical testing. Allele origin: germline. Affected: yes. Observed: 1 variant allele.
Comment: TUBB3: PM2, PP2

GeneDx
Classification: Likely pathogenic. Last evaluated: 2024-02-21. Review status: criteria provided, single submitter. Criteria: GeneDx Variant Classification Process June 2021. Collection method: clinical testing. Allele origin: germline. Affected: yes.
Comment: Not observed at significant frequency in large population cohorts (gnomAD); In silico analysis supports that this missense variant has a deleterious effect on protein structure/function; Missense variants in this gene are a common cause of disease and they are underrepresented in the general population; Has not been previously published as pathogenic or benign to our knowledge; This variant is associated with the following publications: (PMID: 20829227)